The following is an entry in ClinVar:

NM_006343.3(MERTK):c.1604+5G>A

Gene: MERTK (MER proto-oncogene, tyrosine kinase; plus strand). Cytogenetic location: 2q13.
Variant type: single nucleotide variant.
Coding change: c.1604+5G>A on transcript NM_006343.3 (MANE Select); 5 bases into the intron after coding-DNA position 1604, G replaced by A.
Molecular consequence: intron variant.
Genome position (GRCh38, 1-based): chr2:111,997,481, G>A. VCF-style: chr2-111997481-G-A. GRCh37 (hg19) VCF-style: chr2-112755058-G-A.
Identifiers: ClinVar variation 1480551 (VCV001480551.7), dbSNP rs2104402038, ClinGen allele CA2573133097.

ClinVar aggregate classification (germline): Conflicting classifications of pathogenicity. Review status: criteria provided, conflicting classifications (1 of 4 stars). 2 submissions from 2 submitters: Likely pathogenic (1); Uncertain significance (1). Last evaluated 2023-08-10.

Conditions:
MERTK-related disorder. Also called: MERTK-related condition.

Submissions (2):

Labcorp Genetics (formerly Invitae), Labcorp
Classification: Uncertain significance. Last evaluated: 2023-08-10. Review status: criteria provided, single submitter. Criteria: Invitae Variant Classification Sherloc (09022015). Collection method: clinical testing. Allele origin: germline.
Comment: This variant is not present in population databases (gnomAD no frequency). In summary, the available evidence is currently insufficient to determine the role of this variant in disease. Therefore, it has been classified as a Variant of Uncertain Significance. Variants that disrupt the consensus splice site are a relatively common cause of aberrant splicing (PMID: 17576681, 9536098). Algorithms developed to predict the effect of sequence changes on RNA splicing suggest that this variant may disrupt the consensus splice site. ClinVar contains an entry for this variant (Variation ID: 1480551). This variant has not been reported in the literature in individuals affected with MERTK-related conditions. This sequence change falls in intron 10 of the MERTK gene. It does not directly change the encoded amino acid sequence of the MERTK protein. It affects a nucleotide within the consensus splice site.

Blueprint Genetics
Classification: Likely pathogenic for MERTK-related disorders. Last evaluated: 2023-02-22. Review status: criteria provided, single submitter. Criteria: ACMG Guidelines, 2015. Collection method: clinical testing. Allele origin: germline. Affected: yes. Observed: 3 variant alleles.

Literature cited by the submitters: PubMed 17576681 (cited by Labcorp Genetics (formerly Invitae), Labcorp); PubMed 9536098 (cited by Labcorp Genetics (formerly Invitae), Labcorp).